The following is an entry in ClinVar:

ClinVar aggregate classification (germline): Benign/Likely benign. Review status: criteria provided, multiple submitters, no conflicts (2 of 4 stars). 3 submissions from 3 submitters: Benign (1); Likely benign (2). Last evaluated 2025-11-15.

Conditions:
Myofibrillar myopathy 5. Also called: Filaminopathy (type); FILAMINOPATHY, AUTOSOMAL DOMINANT. Identifiers: Orphanet 171445, MedGen C1836050, MONDO:0012289, OMIM 609524.
Hypertrophic cardiomyopathy 26. Also called: Cardiomyopathy, familial hypertrophic, 26. Identifiers: Orphanet 75249, MedGen C4310749, MONDO:0014883, OMIM 617047.
Distal myopathy with posterior leg and anterior hand involvement. Also called: WILLIAMS DISTAL MYOPATHY. Identifiers: Orphanet 63273, MedGen C3279722, MONDO:0013550, OMIM 614065.

Allele frequency attached by ClinVar (database versions not stated): gnomAD exomes 0.00002; gnomAD 0.00003 and 0.00004; TOPMed 0.00003.
gnomAD v4.1: 30 of 1,561,484 alleles (0.0019%); highest among the groups gnomAD compares: East Asian, 0.021%; no homozygotes.

Submissions (3):

Labcorp Genetics (formerly Invitae), Labcorp
Classification: Likely benign for Distal myopathy with posterior leg and anterior hand involvement; Myofibrillar myopathy 5; Hypertrophic cardiomyopathy 26. Last evaluated: 2025-11-15. Review status: criteria provided, single submitter. Criteria: Invitae Variant Classification Sherloc (09022015). Collection method: clinical testing. Allele origin: germline.

Women's Health and Genetics/Laboratory Corporation of America, LabCorp
Classification: Benign. Last evaluated: 2025-10-10. Review status: criteria provided, single submitter. Criteria: LabCorp Variant Classification Summary - May 2015. Collection method: clinical testing. Allele origin: germline.
Comment: Variant summary: FLNC c.2389+13G>A alters a non-conserved nucleotide located at a position not widely known to affect splicing. Consensus agreement among computation tools predict no significant impact on normal splicing. However, these predictions have yet to be confirmed by functional studies. The variant allele was found at a frequency of 1.9e-05 in 1554738 control chromosomes in the gnomAD database (v4.1 dataset). The observed variant frequency exceeds the estimated maximal expected allele frequency for disease-causing variants in FLNC. To our knowledge, no occurrence of c.2389+13G>A in individuals affected with FLNC-related conditions and no experimental evidence demonstrating its impact on protein function have been reported. ClinVar contains an entry for this variant (Variation ID: 1644277). Based on the evidence outlined above, the variant was classified as benign.

Blueprint Genetics
Classification: Likely benign. Last evaluated: 2024-09-17. Review status: criteria provided, single submitter. Criteria: ACMG Guidelines, 2015. Collection method: clinical testing. Allele origin: germline.

NM_001458.5(FLNC):c.2389+13G>A

Gene: FLNC (filamin C; plus strand). Cytogenetic location: 7q32.1.
Variant type: single nucleotide variant.
Coding change: c.2389+13G>A on transcript NM_001458.5 (MANE Select); 13 bases into the intron after coding-DNA position 2389, G replaced by A.
Molecular consequence: intron variant.
Genome position (GRCh38, 1-based): chr7:128,842,711, G>A. VCF-style: chr7-128842711-G-A. GRCh37 (hg19) VCF-style: chr7-128482765-G-A.
Other names: c.2389+13G>A (NM_001127487.2).
Identifiers: ClinVar variation 1644277 (VCV001644277.10), dbSNP rs757608760, ClinGen allele CA4474698.